The following is an entry in ClinVar:

NM_012193.4(FZD4):c.617A>G (p.Tyr206Cys)

Genes: FZD4 (frizzled class receptor 4; minus strand), PRSS23 (serine protease 23; plus strand). Cytogenetic location: 11q14.2.
Variant type: single nucleotide variant.
Coding change: c.617A>G on transcript NM_012193.4 (MANE Select); coding-DNA position 617, A replaced by G.
Protein change: p.Tyr206Cys; replaces tyrosine 206 with cysteine.
Molecular consequence: missense variant. On other transcripts: non-coding transcript variant (2).
Genome position (GRCh38, 1-based): chr11:86,952,139, T>C on the plus strand (A>G on the coding strand, the complement: FZD4 is on the minus strand). VCF-style: chr11-86952139-T-C. GRCh37 (hg19) VCF-style: chr11-86663181-T-C.
Other names: short protein forms Y206C.
Identifiers: ClinVar variation 857800 (VCV000857800.9), dbSNP rs1949299193, ClinGen allele CA382015276.

ClinVar aggregate classification (germline): Uncertain significance (1 of 4 stars; one submission).

Submission:

Labcorp Genetics (formerly Invitae), Labcorp
Classification: Uncertain significance. Last evaluated: 2019-12-05. Review status: criteria provided, single submitter. Criteria: Invitae Variant Classification Sherloc (09022015). Collection method: clinical testing. Allele origin: germline.
Comment: In summary, the available evidence is currently insufficient to determine the role of this variant in disease. Therefore, it has been classified as a Variant of Uncertain Significance. Algorithms developed to predict the effect of missense changes on protein structure and function (SIFT, PolyPhen-2, Align-GVGD) all suggest that this variant is likely to be disruptive, but these predictions have not been confirmed by published functional studies and their clinical significance is uncertain. This variant has not been reported in the literature in individuals with FZD4-related conditions. This variant is not present in population databases (ExAC no frequency). This sequence change replaces tyrosine with cysteine at codon 206 of the FZD4 protein (p.Tyr206Cys). The tyrosine residue is highly conserved and there is a large physicochemical difference between tyrosine and cysteine.